The following is an entry in ClinVar:

ClinVar aggregate classification (germline): Benign. Review status: criteria provided, multiple submitters, no conflicts (2 of 4 stars). 4 submissions from 4 submitters: Benign (4). Last evaluated 2026-02-02.

Conditions:
Neurodevelopmental disorder with progressive spasticity and brain white matter abnormalities. Also called: CEREBRAL PALSY, SPASTIC QUADRIPLEGIC, 1. Identifiers: Orphanet 210141, Orphanet 641353, MedGen C5436628, MONDO:0033613, OMIM 619026.

Allele frequency attached by ClinVar (database versions not stated): ESP Exome Variant Server 0.01445; gnomAD 0.02121 and 0.02153; 1000 Genomes Project 0.02196; gnomAD exomes 0.02230 and 0.03384; 1000 Genomes Project 30x 0.02420; ExAC 0.02774; TOPMed 0.02821.
gnomAD v4.1: 35,466 of 1,608,244 alleles (2.2%); highest among the groups gnomAD compares: Admixed American, 14%; 1,036 homozygotes.

Submissions (4):

Labcorp Genetics (formerly Invitae), Labcorp
Classification: Benign for Neurodevelopmental disorder with progressive spasticity and brain white matter abnormalities. Last evaluated: 2026-02-02. Review status: criteria provided, single submitter. Criteria: Invitae Variant Classification Sherloc (09022015). Collection method: clinical testing. Allele origin: germline.

GeneDx
Classification: Benign. Last evaluated: 2021-06-20. Review status: criteria provided, single submitter. Criteria: GeneDx Variant Classification Process June 2021. Collection method: clinical testing. Allele origin: germline. Affected: yes.

Illumina Laboratory Services, Illumina
Classification: Benign. Last evaluated: 2018-01-13. Review status: criteria provided, single submitter. Criteria: ICSL Variant Classification Criteria 13 December 2019. Collection method: clinical testing. Allele origin: germline.
Comment: This variant was observed in the ICSL laboratory as part of a predisposition screen in an ostensibly healthy population. It had not been previously curated by ICSL or reported in the Human Gene Mutation Database (HGMD: prior to June 1st, 2018), and was therefore a candidate for classification through an automated scoring system. Utilizing variant allele frequency, disease prevalence and penetrance estimates, and inheritance mode, an automated score was calculated to assess if this variant is too frequent to cause the disease. Based on the score and internal cut-off values, a variant classified as benign is not then subjected to further curation. The score for this variant resulted in a classification of benign for this disease.

Breakthrough Genomics
Classification: Benign. Review status: criteria provided, single submitter. Criteria: ACMG Guidelines, 2015. Collection method: not provided. Allele origin: germline. Inheritance: Autosomal recessive inheritance. Affected: yes.

NM_000817.3(GAD1):c.1002+12G>A

Gene: GAD1 (glutamate decarboxylase 1; plus strand). Cytogenetic location: 2q31.1.
Variant type: single nucleotide variant.
Coding change: c.1002+12G>A on transcript NM_000817.3 (MANE Select); 12 bases into the intron after coding-DNA position 1002, G replaced by A.
Molecular consequence: intron variant.
Genome position (GRCh38, 1-based): chr2:170,846,075, G>A. VCF-style: chr2-170846075-G-A. GRCh37 (hg19) VCF-style: chr2-171702585-G-A.
Identifiers: ClinVar variation 332234 (VCV000332234.20), dbSNP rs701491, ClinGen allele CA1962802.